The following is an entry in ClinVar:

NM_024426.6(WT1):c.28G>T (p.Ala10Ser)

Genes: WT1 (WT1 transcription factor; minus strand), LOC107982234 (WT1/WT1-AS bi-directional promoter region; plus strand). Cytogenetic location: 11p13.
Variant type: single nucleotide variant.
Coding change: c.28G>T on transcript NM_024426.6 (MANE Select); coding-DNA position 28, G replaced by T.
Protein change: p.Ala10Ser; replaces alanine 10 with serine.
Molecular consequence: missense variant. On other transcripts: non-coding transcript variant (1).
Genome position (GRCh38, 1-based): chr11:32,435,333, C>A on the plus strand (G>T on the coding strand, the complement: WT1 is on the minus strand). VCF-style: chr11-32435333-C-A. GRCh37 (hg19) VCF-style: chr11-32456879-C-A.
Other names: c.28G>T, p.Ala10Ser (NM_000378.6, NM_024424.5); c.13G>T (NM_024426.4); short protein forms A10S.
Identifiers: ClinVar variation 802670 (VCV000802670.7), dbSNP rs1351753257, ClinGen allele CA379966536.

ClinVar aggregate classification (germline): Conflicting classifications of pathogenicity. Review status: criteria provided, conflicting classifications (1 of 4 stars). 5 submissions from 5 submitters: Uncertain significance (4); Likely benign (1). Last evaluated 2025-01-28.

Conditions:
WT1-related disorder. Also called: WT1-related disorders. Identifiers: MedGen CN377814.
Hereditary cancer-predisposing syndrome. Also called: Neoplastic Syndromes, Hereditary; Hereditary Cancer Syndrome; Tumor predisposition; Hereditary neoplastic syndrome. Identifiers: Orphanet 140162, MedGen C0027672, MeSH D009386, MONDO:0015356.
Drash syndrome (DDS). Also called: NEPHROPATHY, WILMS TUMOR, AND GENITAL ANOMALIES; WILMS TUMOR AND PSEUDO- OR TRUE HERMAPHRODITISM. Identifiers: Orphanet 220, MedGen C0950121, MONDO:0008682, OMIM 194080.
Frasier syndrome. Identifiers: Orphanet 347, MedGen C0950122, MeSH D052159, MONDO:0007635, OMIM 136680.
Wilms tumor 1 (WT1). Also called: Wilms tumor, somatic. Identifiers: Orphanet 654, MedGen CN033288, MONDO:0008679, OMIM 194070.
11p partial monosomy syndrome (WAGR). Also called: WAGR syndrome; WAGR Spectrum Disorder; CHROMOSOME 11p13 DELETION SYNDROME; WAGR Complex. Identifiers: Orphanet 893, MedGen C0206115, MONDO:0008681, OMIM 194072.
Inborn genetic diseases. Identifiers: MedGen C0950123, MeSH D030342.

Allele frequency attached by ClinVar (database versions not stated): TOPMed 0.00008.
gnomAD v4.1: 9 of 1,531,432 alleles (0.00059%); highest among the groups gnomAD compares: Admixed American, 0.016%; 1 homozygote.

Submissions (5):

Ambry Genetics
Classification: Likely benign for Inborn genetic diseases. Last evaluated: 2025-01-28. Review status: criteria provided, single submitter. Criteria: Ambry Variant Classification Scheme 2023. Collection method: clinical testing. Allele origin: germline.

Labcorp Genetics (formerly Invitae), Labcorp
Classification: Uncertain significance for Wilms tumor 1; Drash syndrome; 11p partial monosomy syndrome; Frasier syndrome. Last evaluated: 2023-12-25. Review status: criteria provided, single submitter. Criteria: Invitae Variant Classification Sherloc (09022015). Collection method: clinical testing. Allele origin: germline.
Comment: This sequence change replaces alanine, which is neutral and non-polar, with serine, which is neutral and polar, at codon 5 of the WT1 protein (p.Ala5Ser). This variant is not present in population databases (gnomAD no frequency). This variant has not been reported in the literature in individuals affected with WT1-related conditions. ClinVar contains an entry for this variant (Variation ID: 802670). An algorithm developed to predict the effect of missense changes on protein structure and function (PolyPhen-2) suggests that this variant is likely to be tolerated. In summary, the available evidence is currently insufficient to determine the role of this variant in disease. Therefore, it has been classified as a Variant of Uncertain Significance.

PreventionGenetics, part of Exact Sciences
Classification: Uncertain significance for WT1-related condition. Last evaluated: 2023-03-27. Review status: criteria provided, single submitter. Criteria: ACMG Guidelines, 2015. Collection method: clinical testing. Allele origin: germline.
Comment: The WT1 c.13G>T variant is predicted to result in the amino acid substitution p.Ala5Ser. To our knowledge, this variant has not been reported in the literature or in a large population database, indicating this variant is rare, and is interpreted as a variant of uncertain significance in ClinVar. At this time, the clinical significance of this variant is uncertain due to the absence of conclusive functional and genetic evidence.

Sema4
Classification: Uncertain significance for Hereditary cancer-predisposing syndrome. Last evaluated: 2021-04-28. Review status: criteria provided, single submitter. Criteria: Sema4 Curation Guidelines. Collection method: curation. Allele origin: germline.
Comment: The WT1 c.13G>T (p.A5S) variant has not been reported in the literature to our knowledge. It was not observed in the large and broad cohorts of the Genome Aggregation Database (PMID: 32461654). The variant has been reported in ClinVar (Variation ID: 802670). In silico tools suggest the impact of the variant on protein function is benign, though these predictions have not been confirmed by functional studies. The evidence is insufficient to meet ACMG/AMP criteria for classifying the variant as benign or pathogenic. Thus, the clinical significance of this variant is currently uncertain.

Mendelics
Classification: Uncertain significance for Drash syndrome. Last evaluated: 2019-05-28. Review status: criteria provided, single submitter. Criteria: Mendelics Assertion Criteria 2017. Collection method: clinical testing. Allele origin: unknown.